The following is an entry in ClinVar:

ClinVar aggregate classification (germline): Benign. Review status: criteria provided, multiple submitters, no conflicts (2 of 4 stars). 5 submissions from 5 submitters: Benign (4). 1 of the submissions does not count toward it. Last evaluated 2026-02-03.

Conditions:
UNC80-related disorder. Also called: UNC80-related condition.

Allele frequency attached by ClinVar (database versions not stated): ESP Exome Variant Server 0.02284; gnomAD 0.02348 and 0.02166; ExAC 0.00704; TOPMed 0.02459; 1000 Genomes Project 0.02236; 1000 Genomes Project 30x 0.02405.
gnomAD v4.1: 6,755 of 1,613,978 alleles (0.42%); highest among the groups gnomAD compares: African/African-American, 7.4%; 215 homozygotes.

Submissions (5):

Labcorp Genetics (formerly Invitae), Labcorp
Classification: Benign. Last evaluated: 2026-02-03. Review status: criteria provided, single submitter. Criteria: Invitae Variant Classification Sherloc (09022015). Collection method: clinical testing. Allele origin: germline.

GeneDx
Classification: Benign. Last evaluated: 2019-08-30. Review status: criteria provided, single submitter. Criteria: GeneDx Variant Classification Process June 2021. Collection method: clinical testing. Allele origin: germline. Affected: yes.

Eurofins Ntd Llc (ga)
Classification: Benign. Last evaluated: 2017-12-21. Review status: criteria provided, single submitter. Criteria: EGL Classification Definitions 2015. Collection method: clinical testing. Allele origin: germline. Observed: 1 variant allele, 1 heterozygote.

Breakthrough Genomics
Classification: Benign. Review status: criteria provided, single submitter. Criteria: ACMG Guidelines, 2015. Collection method: not provided. Allele origin: germline. Inheritance: Autosomal recessive inheritance. Affected: yes.

PreventionGenetics, part of Exact Sciences
Classification: Benign for UNC80-related condition. Last evaluated: 2019-09-17. Review status: no assertion criteria provided. Collection method: clinical testing. Allele origin: germline. Not counted in ClinVar's aggregate classification.
Comment: This variant is classified as benign based on ACMG/AMP sequence variant interpretation guidelines (Richards et al. 2015 PMID: 25741868, with internal and published modifications).

NM_001371986.1(UNC80):c.672C>T (p.Pro224=)

Gene: UNC80 (unc-80 subunit of NALCN channel complex; plus strand). Cytogenetic location: 2q34.
Variant type: single nucleotide variant.
Coding change: c.672C>T on transcript NM_001371986.1 (MANE Select); coding-DNA position 672, C replaced by T.
Protein change: p.Pro224=; no amino-acid change (proline 224 retained).
Molecular consequence: synonymous variant.
Genome position (GRCh38, 1-based): chr2:209,786,137, C>T. VCF-style: chr2-209786137-C-T. GRCh37 (hg19) VCF-style: chr2-210650861-C-T.
Other names: c.672C>T, p.Pro224= (NM_032504.2, NM_182587.4).
Identifiers: ClinVar variation 595468 (VCV000595468.21), dbSNP rs76851741, ClinGen allele CA2082804.